The following is an entry in ClinVar:

NM_024642.5(GALNT12):c.1183T>C (p.Tyr395His)

Gene: GALNT12 (polypeptide N-acetylgalactosaminyltransferase 12; plus strand). Cytogenetic location: 9q22.33.
Variant type: single nucleotide variant.
Coding change: c.1183T>C on transcript NM_024642.5 (MANE Select); coding-DNA position 1183, T replaced by C.
Protein change: p.Tyr395His; replaces tyrosine 395 with histidine.
Molecular consequence: missense variant.
Genome position (GRCh38, 1-based): chr9:98,837,119, T>C. VCF-style: chr9-98837119-T-C. GRCh37 (hg19) VCF-style: chr9-101599401-T-C.
Other names: short protein forms Y395H.
Identifiers: ClinVar variation 1742868 (VCV001742868.2), dbSNP rs1836173574, ClinGen allele CA374219998.
Genomic context (GRCh38, chr9:98,837,119, plus strand): 5'-AAGGCTCTGGCCAACAGTGTTCGTGCAGCTGAAGTATGGATGGATGAATTTAAAGAGCTC[T>C]ACTACCATCGCAACCCCCGTGCCCGCTTGGTGAGTTCCTCGGCCCACCTGCACTCCATCT-3'
Protein context (NP_078918.3, residues 385-405): EVWMDEFKEL[Tyr395His]YHRNPRARLE

ClinVar aggregate classification (germline): Uncertain significance (1 of 4 stars; one submission).

Allele frequency attached by ClinVar (database versions not stated): TOPMed below 0.00001.

Submission:

Ambry Genetics
Classification: Uncertain significance. Last evaluated: 2021-05-27. Review status: criteria provided, single submitter. Criteria: Ambry Variant Classification Scheme 2023. Collection method: clinical testing. Allele origin: germline.
Comment: The p.Y395H variant (also known as c.1183T>C), located in coding exon 6 of the GALNT12 gene, results from a T to C substitution at nucleotide position 1183. The tyrosine at codon 395 is replaced by histidine, an amino acid with similar properties. This amino acid position is highly conserved in available vertebrate species. In addition, this alteration is predicted to be deleterious by in silico analysis. Since supporting evidence is limited at this time, the clinical significance of this alteration remains unclear.